The following is an entry in ClinVar:

ClinVar aggregate classification (germline): Uncertain significance (1 of 4 stars; one submission).

Allele frequency attached by ClinVar (database versions not stated): gnomAD exomes below 0.00001; ExAC 0.00001; TOPMed 0.00001; ESP Exome Variant Server 0.00008.
gnomAD v4.1: 1 of 1,614,172 alleles (0.000062%); highest among the groups gnomAD compares: African/African-American, 0.0013%; no homozygotes.

Submission:

Labcorp Genetics (formerly Invitae), Labcorp
Classification: Uncertain significance. Last evaluated: 2024-11-04. Review status: criteria provided, single submitter. Criteria: Invitae Variant Classification Sherloc (09022015). Collection method: clinical testing. Allele origin: germline.
Comment: This sequence change replaces isoleucine, which is neutral and non-polar, with valine, which is neutral and non-polar, at codon 369 of the EFL1 protein (p.Ile369Val). This variant is present in population databases (rs372574913, gnomAD 0.007%). This variant has not been reported in the literature in individuals affected with EFL1-related conditions. ClinVar contains an entry for this variant (Variation ID: 1968062). Invitae Evidence Modeling of protein sequence and biophysical properties (such as structural, functional, and spatial information, amino acid conservation, physicochemical variation, residue mobility, and thermodynamic stability) indicates that this missense variant is not expected to disrupt EFL1 protein function with a negative predictive value of 80%. In summary, the available evidence is currently insufficient to determine the role of this variant in disease. Therefore, it has been classified as a Variant of Uncertain Significance.

NM_024580.6(EFL1):c.1105A>G (p.Ile369Val)

Gene: EFL1 (elongation factor like GTPase 1; minus strand). Cytogenetic location: 15q25.2.
Variant type: single nucleotide variant.
Coding change: c.1105A>G on transcript NM_024580.6 (MANE Select); coding-DNA position 1105, A replaced by G.
Protein change: p.Ile369Val; replaces isoleucine 369 with valine.
Molecular consequence: missense variant. On other transcripts: non-coding transcript variant (1).
Genome position (GRCh38, 1-based): chr15:82,227,537, T>C on the plus strand (A>G on the coding strand, the complement: EFL1 is on the minus strand). VCF-style: chr15-82227537-T-C. GRCh37 (hg19) VCF-style: chr15-82519878-T-C.
Other names: c.952A>G, p.Ile318Val (NM_001040610.3); c.316A>G, p.Ile106Val (NM_001322844.2); c.1105A>G, p.Ile369Val (NM_001322845.2); short protein forms I318V, I106V, I369V.
Identifiers: ClinVar variation 1968062 (VCV001968062.5), dbSNP rs372574913, ClinGen allele CA7698088.